The following is an entry in ClinVar:

ClinVar aggregate classification (germline): Uncertain significance (1 of 4 stars; one submission).

Conditions:
Hereditary cancer-predisposing syndrome. Also called: Tumor predisposition; Hereditary neoplastic syndrome; Hereditary Cancer Syndrome; Neoplastic Syndromes, Hereditary. Identifiers: Orphanet 140162, MedGen C0027672, MeSH D009386, MONDO:0015356.

Submission:

Ambry Genetics
Classification: Uncertain significance for Hereditary cancer-predisposing syndrome. Last evaluated: 2026-03-16. Review status: criteria provided, single submitter. Criteria: Ambry Variant Classification Scheme 2023. Collection method: clinical testing. Allele origin: germline.
Comment: The p.R2263T variant (also known as c.6788G>C), located in coding exon 45 of the ATM gene, results from a G to C substitution at nucleotide position 6788. The arginine at codon 2263 is replaced by threonine, an amino acid with similar properties. This amino acid position is conserved. In addition, this alteration is predicted to be deleterious by in silico analysis. Based on the available evidence, the clinical significance of this variant remains unclear.

NM_000051.4(ATM):c.6788G>C (p.Arg2263Thr)

Genes: ATM (ATM serine/threonine kinase; plus strand), C11orf65 (chromosome 11 open reading frame 65; minus strand). Cytogenetic location: 11q22.3.
Variant type: single nucleotide variant.
Coding change: c.6788G>C on transcript NM_000051.4 (MANE Select); coding-DNA position 6788, G replaced by C.
Protein change: p.Arg2263Thr; replaces arginine 2263 with threonine.
Molecular consequence: missense variant. On other transcripts: intron variant (2).
Genome position (GRCh38, 1-based): chr11:108,325,525, G>C. VCF-style: chr11-108325525-G-C. GRCh37 (hg19) VCF-style: chr11-108196252-G-C.
Other names: c.6788G>C, p.Arg2263Thr (NM_001351834.2); c.641-16454C>G (NM_001330368.2); c.*38+9695C>G (NM_001351110.2); short protein forms R2263T.
Identifiers: ClinVar variation 4865978 (VCV004865978.1).